The following is an entry in ClinVar:

ClinVar aggregate classification (germline): Uncertain significance (1 of 4 stars; one submission).

Conditions:
Infantile-onset X-linked spinal muscular atrophy. Also called: SPINAL MUSCULAR ATROPHY, X-LINKED LETHAL INFANTILE; AMC, DISTAL, X-LINKED; ARTHROGRYPOSIS, X-LINKED, TYPE I; Spinal Muscular Atrophy, X-Linked Infantile; Spinal muscular atrophy, X-linked 2. Identifiers: Orphanet 1145, MedGen C1844934, MONDO:0010532, OMIM 301830.

Submission:

Labcorp Genetics (formerly Invitae), Labcorp
Classification: Uncertain significance for Infantile-onset X-linked spinal muscular atrophy. Last evaluated: 2021-05-05. Review status: criteria provided, single submitter. Criteria: Invitae Variant Classification Sherloc (09022015). Collection method: clinical testing. Allele origin: germline.
Comment: Algorithms developed to predict the effect of missense changes on protein structure and function (SIFT, PolyPhen-2, Align-GVGD) all suggest that this variant is likely to be tolerated, but these predictions have not been confirmed by published functional studies and their clinical significance is uncertain. In summary, the available evidence is currently insufficient to determine the role of this variant in disease. Therefore, it has been classified as a Variant of Uncertain Significance. This variant has not been reported in the literature in individuals with UBA1-related conditions. This sequence change replaces glutamic acid with aspartic acid at codon 651 of the UBA1 protein (p.Glu651Asp). The glutamic acid residue is moderately conserved and there is a small physicochemical difference between glutamic acid and aspartic acid. This variant is not present in population databases (ExAC no frequency).

NM_003334.4(UBA1):c.1953G>C (p.Glu651Asp)

Gene: UBA1 (ubiquitin like modifier activating enzyme 1; plus strand). Cytogenetic location: Xp11.3.
Variant type: single nucleotide variant.
Coding change: c.1953G>C on transcript NM_003334.4 (MANE Select); coding-DNA position 1953, G replaced by C.
Protein change: p.Glu651Asp; replaces glutamic acid 651 with aspartic acid.
Molecular consequence: missense variant.
Genome position (GRCh38, 1-based): chrX:47,209,637, G>C. VCF-style: chrX-47209637-G-C. GRCh37 (hg19) VCF-style: chrX-47069036-G-C.
Other names: c.1953G>C, p.Glu651Asp (NM_153280.3); short protein forms E651D.
Identifiers: ClinVar variation 1393265 (VCV001393265.8), dbSNP rs2147286332, ClinGen allele CA412805986.